The following is an entry in ClinVar:

ClinVar aggregate classification (germline): Conflicting classifications of pathogenicity. Review status: criteria provided, conflicting classifications (1 of 4 stars). 4 submissions from 4 submitters: Uncertain significance (3); Likely benign (1). Last evaluated 2025-09-04.

Conditions:
Cardiomyopathy (CMYO). Also called: Cardiomyopathies. Identifiers: Orphanet 167848, MedGen C0878544, MONDO:0004994, HP:0001638. Inheritance: Various modes of inheritance.
Arrhythmogenic right ventricular dysplasia 11. Also called: Arrhythmogenic right ventricular dysplasia 11 with mild palmoplantar keratoderma and woolly hair; Arrhythmogenic Right Ventricular Dysplasia/Cardiomyopathy11; ARRHYTHMOGENIC RIGHT VENTRICULAR DYSPLASIA, FAMILIAL, 11. Identifiers: MedGen C1864850, MONDO:0012506, OMIM 610476.
Cardiovascular phenotype. Identifiers: MedGen CN230736.

Submissions (4):

Labcorp Genetics (formerly Invitae), Labcorp
Classification: Uncertain significance for Arrhythmogenic right ventricular dysplasia 11. Last evaluated: 2025-09-04. Review status: criteria provided, single submitter. Criteria: Invitae Variant Classification Sherloc (09022015). Collection method: clinical testing. Allele origin: germline.
Comment: This sequence change replaces histidine, which is basic and polar, with tyrosine, which is neutral and polar, at codon 679 of the DSC2 protein (p.His679Tyr). This variant is not present in population databases (gnomAD no frequency). This variant has not been reported in the literature in individuals affected with DSC2-related conditions. ClinVar contains an entry for this variant (Variation ID: 629564). An algorithm developed to predict the effect of missense changes on protein structure and function (PolyPhen-2) suggests that this variant is likely to be tolerated. In summary, the available evidence is currently insufficient to determine the role of this variant in disease. Therefore, it has been classified as a Variant of Uncertain Significance.

Ambry Genetics
Classification: Likely benign for Cardiovascular phenotype. Last evaluated: 2024-04-22. Review status: criteria provided, single submitter. Criteria: Ambry Variant Classification Scheme 2023. Collection method: clinical testing. Allele origin: germline.

Color Diagnostics, LLC DBA Color Health
Classification: Uncertain significance for Cardiomyopathy. Last evaluated: 2023-12-05. Review status: criteria provided, single submitter. Criteria: ACMG Guidelines, 2015. Collection method: clinical testing. Allele origin: germline.
Comment: Variant of Uncertain Significance due to insufficient evidence: This missense variant is located in the extracellular cadherin domain 5 of the DSC2 protein. Computational prediction tools and conservation analyses suggest that this variant may not impact the protein function. Computational splicing tools suggest that this variant may not impact RNA splicing. To our knowledge, functional assays have not been performed for this variant nor has this variant been reported in individuals affected with cardiovascular disorders in the literature. This variant is rare in the general population and has been identified in 0/277264 chromosomes by the Genome Aggregation Database (gnomAD). Available evidence is insufficient to determine the pathogenicity of this variant conclusively.

GeneDx
Classification: Uncertain significance. Last evaluated: 2020-01-08. Review status: criteria provided, single submitter. Criteria: GeneDx Variant Classification Process June 2021. Collection method: clinical testing. Allele origin: germline. Affected: yes.
Comment: Has not been previously published as pathogenic or benign to our knowledge; Not observed in large population cohorts (Lek et al., 2016); Reported in ClinVar as a variant of uncertain significance (ClinVar Variant ID# 629564; Landrum et al., 2016); In silico analysis, which includes protein predictors and evolutionary conservation, supports that this variant does not alter protein structure/function

NM_024422.6(DSC2):c.2035C>T (p.His679Tyr)

Gene: DSC2 (desmocollin 2; minus strand). Cytogenetic location: 18q12.1.
Variant type: single nucleotide variant.
Coding change: c.2035C>T on transcript NM_024422.6 (MANE Select); coding-DNA position 2035, C replaced by T.
Protein change: p.His679Tyr; replaces histidine 679 with tyrosine.
Molecular consequence: missense variant.
Genome position (GRCh38, 1-based): chr18:31,071,695, G>A on the plus strand (C>T on the coding strand, the complement: DSC2 is on the minus strand). VCF-style: chr18-31071695-G-A. GRCh37 (hg19) VCF-style: chr18-28651661-G-A.
Other names: c.2035C>T, p.His679Tyr (NM_004949.5); short protein forms H679Y.
Identifiers: ClinVar variation 629564 (VCV000629564.8), dbSNP rs1567973075, ClinGen allele CA402113040.
Genomic context (GRCh38, chr18:31,071,695, plus strand): 5'-CAAGGATGGCCCACTTTCCAAGTTGTACTCCTCCACCGCCAATCCTTGGATCTACACGAT[G>A]TGTGCAGTCATTTTCGGTAATGCAGTCACACAGTGTAACATCCAATGAAGTGACACTAGA-3'
Protein context (NP_077740.1, residues 669-689): CDCITENDCT[His679Tyr]RVDPRIGGGG